The following is an entry in ClinVar:

ClinVar aggregate classification (germline): Uncertain significance (1 of 4 stars; one submission).

Allele frequency attached by ClinVar (database versions not stated): TOPMed 0.00001; ExAC 0.00002; gnomAD exomes 0.00002.
gnomAD v4.1: 29 of 1,614,072 alleles (0.0018%); highest among the groups gnomAD compares: Middle Eastern, 0.017%; no homozygotes.

Submission:

Labcorp Genetics (formerly Invitae), Labcorp
Classification: Uncertain significance. Last evaluated: 2026-01-06. Review status: criteria provided, single submitter. Criteria: Invitae Variant Classification Sherloc (09022015). Collection method: clinical testing. Allele origin: germline.
Comment: This sequence change replaces isoleucine, which is neutral and non-polar, with threonine, which is neutral and polar, at codon 1292 of the ADGRA3 protein (p.Ile1292Thr). This variant is present in population databases (rs776404075, gnomAD 0.004%). This variant has not been reported in the literature in individuals affected with ADGRA3-related conditions. ClinVar contains an entry for this variant (Variation ID: 1498626). An algorithm developed to predict the effect of missense changes on protein structure and function outputs the following: PolyPhen-2: "Benign". The threonine amino acid residue is found in multiple mammalian species, which suggests that this missense change does not adversely affect protein function. In summary, the available evidence is currently insufficient to determine the role of this variant in disease. Therefore, it has been classified as a Variant of Uncertain Significance.

NM_145290.4(ADGRA3):c.3875T>C (p.Ile1292Thr)

Gene: ADGRA3 (adhesion G protein-coupled receptor A3; minus strand). Cytogenetic location: 4p15.2.
Variant type: single nucleotide variant.
Coding change: c.3875T>C on transcript NM_145290.4 (MANE Select); coding-DNA position 3875, T replaced by C.
Protein change: p.Ile1292Thr; replaces isoleucine 1292 with threonine.
Molecular consequence: missense variant.
Genome position (GRCh38, 1-based): chr4:22,387,796, A>G on the plus strand (T>C on the coding strand, the complement: ADGRA3 is on the minus strand). VCF-style: chr4-22387796-A-G. GRCh37 (hg19) VCF-style: chr4-22389419-A-G.
Other names: short protein forms I1292T.
Identifiers: ClinVar variation 1498626 (VCV001498626.6), dbSNP rs776404075, ClinGen allele CA2873275.